The following is an entry in ClinVar:

NM_001953.5(TYMP):c.1219G>A (p.Gly407Arg)

Genes: SCO2 (synthesis of cytochrome C oxidase 2; minus strand), TYMP (thymidine phosphorylase; minus strand), LOC130067862 (ATAC-STARR-seq lymphoblastoid silent region 13986; plus strand). Cytogenetic location: 22q13.33.
Variant type: single nucleotide variant.
Coding change: c.1219G>A on transcript NM_001953.5 (MANE Select); coding-DNA position 1219, G replaced by A.
Protein change: p.Gly407Arg; replaces glycine 407 with arginine.
Molecular consequence: missense variant. On other transcripts: 5 prime UTR variant (1), intron variant (1).
Genome position (GRCh38, 1-based): chr22:50,526,082, C>T on the plus strand (G>A on the coding strand, the complement: TYMP is on the minus strand). VCF-style: chr22-50526082-C-T. GRCh37 (hg19) VCF-style: chr22-50964511-C-T.
Other names: c.-95G>A (NM_001169110.1); c.-14+164G>A (NM_001169109.2); c.1219G>A, p.Gly407Arg (NM_001113755.3, NM_001113756.3, NM_001257988.1); c.1234G>A, p.Gly412Arg (NM_001257989.1); short protein forms G407R, G412R.
Identifiers: ClinVar variation 215339 (VCV000215339.4), dbSNP rs863224254, ClinGen allele CA320405.

ClinVar aggregate classification (germline): Likely pathogenic (1 of 4 stars; one submission).

Submission:

GeneDx
Classification: Likely pathogenic. Last evaluated: 2013-09-23. Review status: criteria provided, single submitter. Criteria: GeneDx Variant Classification (06012015). Collection method: clinical testing. Allele origin: germline. Affected: yes.
Comment: p.Gly407Arg (GGG>AGG): c.1219 G>A in exon 9 of the TYMP gene (NM_001953.3)The G407R missense change identified in the TYMP gene is likely pathogenic. It has not been published as a mutation, nor has it been reported as a benign polymorphism to our knowledge. G407R is a non-conservative amino acid substitution of an uncharged, small Glycine residue with a positively charged, large Arginine residue. The variant alters a highly conserved position in the protein and multiple in silico algorithms predict that G407R is damaging to the structure/function of the protein. Therefore, G407R is a strong candidate for a disease-causing mutation, however the possibility that it is a benign variant cannot be excluded. The variant is found in MITONUC-MITOP panel(s).